The following is an entry in ClinVar:

NM_007294.4(BRCA1):c.4983A>T (p.Glu1661Asp)

Gene: BRCA1 (BRCA1 DNA repair associated; minus strand). Cytogenetic location: 17q21.31.
Variant type: single nucleotide variant.
Coding change: c.4983A>T on transcript NM_007294.4 (MANE Select); coding-DNA position 4983, A replaced by T.
Protein change: p.Glu1661Asp; replaces glutamic acid 1661 with aspartic acid.
Molecular consequence: missense variant. On other transcripts: non-coding transcript variant (1).
Genome position (GRCh38, 1-based): chr17:43,070,931, T>A on the plus strand (A>T on the coding strand, the complement: BRCA1 is on the minus strand). VCF-style: chr17-43070931-T-A. GRCh37 (hg19) VCF-style: chr17-41222948-T-A.
Other names: c.4770A>T, p.Glu1590Asp (NM_001407571.1, NM_001407894.1, NM_001407895.1 and 12 more transcripts); c.5049A>T, p.Glu1683Asp (NM_001407581.1, NM_001407582.1); c.5046A>T, p.Glu1682Asp (NM_001407583.1, NM_001407585.1, NM_001407587.1 and 1 more transcripts); c.5043A>T, p.Glu1681Asp (NM_001407590.1, NM_001407591.1); c.4983A>T, p.Glu1661Asp (NM_001407593.1, NM_001407594.1, NM_001407596.1 and 8 more transcripts); c.4980A>T, p.Glu1660Asp (NM_001407610.1, NM_001407621.1, NM_001407622.1 and 17 more transcripts); c.4977A>T, p.Glu1659Asp (NM_001407627.1, NM_001407628.1, NM_001407629.1 and 14 more transcripts); c.4974A>T, p.Glu1658Asp (NM_001407644.1, NM_001407645.1); and 70 more; short protein forms E1614D, E1661D, E1682D, E557D, E1365D, E1572D, E1612D, E1618D.
Identifiers: ClinVar variation 865485 (VCV000865485.3), dbSNP rs2052354666, ClinGen allele CA10591558.

Conditions:
Breast-ovarian cancer, familial, susceptibility to, 1 (BROVCA1). Also called: BRCA1 Hereditary Breast and Ovarian Cancer; OVARIAN CANCER, SUSCEPTIBILITY TO. Identifiers: Orphanet 145, MedGen C2676676, MONDO:0011450, OMIM 604370. Disease mechanism: loss of function.

Submission:

Brotman Baty Institute, University of Washington
No classification provided (evidence only). Condition: Breast-ovarian cancer, familial 1. Review status: no classification provided. Collection method: in vitro. Allele origin: not applicable. Functional consequence: functionally_normal.
ClinVar note: "not provided" was previously submitted as the classification for the variant. However, the classification appeared to be based only on an observation of functional data so it was converted to no classification on 2025-07-30.